The following is an entry in ClinVar:

ClinVar aggregate classification (germline): Uncertain significance (1 of 4 stars; one submission).

Allele frequency attached by ClinVar (database versions not stated): ExAC 0.00001; gnomAD exomes 0.00001.
gnomAD v4.1: 8 of 1,613,744 alleles (0.0005%); highest among the groups gnomAD compares: Non-Finnish European, 0.00059%; no homozygotes.

Submission:

Women's Health and Genetics/Laboratory Corporation of America, LabCorp
Classification: Uncertain significance. Last evaluated: 2024-01-16. Review status: criteria provided, single submitter. Criteria: LabCorp Variant Classification Summary - May 2015. Collection method: clinical testing. Allele origin: germline.
Comment: Variant summary: LAMA2 c.8614A>G (p.Ser2872Gly) results in a non-conservative amino acid change located in the Laminin G domain (IPR001791) of the encoded protein sequence. Four of five in-silico tools predict a damaging effect of the variant on protein function. The variant allele was found at a frequency of 4e-06 in 251286 control chromosomes. The available data on variant occurrences in the general population are insufficient to allow any conclusion about variant significance. To our knowledge, no occurrence of c.8614A>G in individuals affected with Laminin Alpha 2-Related Dystrophy and no experimental evidence demonstrating its impact on protein function have been reported. No submitters have cited clinical-significance assessments for this variant to ClinVar. Based on the evidence outlined above, the variant was classified as uncertain significance.

NM_000426.4(LAMA2):c.8614A>G (p.Ser2872Gly)

Gene: LAMA2 (laminin subunit alpha 2; plus strand). Cytogenetic location: 6q22.33.
Variant type: single nucleotide variant.
Coding change: c.8614A>G on transcript NM_000426.4 (MANE Select); coding-DNA position 8614, A replaced by G.
Protein change: p.Ser2872Gly; replaces serine 2872 with glycine.
Molecular consequence: missense variant.
Genome position (GRCh38, 1-based): chr6:129,505,266, A>G. VCF-style: chr6-129505266-A-G. GRCh37 (hg19) VCF-style: chr6-129826411-A-G.
Other names: c.8602A>G, p.Ser2868Gly (NM_001079823.2); short protein forms S2868G, S2872G.
Identifiers: ClinVar variation 3063939 (VCV003063939.1), dbSNP rs757873582, ClinGen allele CA3994875.